The following is an entry in ClinVar:

NM_001367561.1(DOCK7):c.740C>T (p.Pro247Leu)

Gene: DOCK7 (dedicator of cytokinesis 7; minus strand). Cytogenetic location: 1p31.3.
Variant type: single nucleotide variant.
Coding change: c.740C>T on transcript NM_001367561.1 (MANE Select); coding-DNA position 740, C replaced by T.
Protein change: p.Pro247Leu; replaces proline 247 with leucine.
Molecular consequence: missense variant.
Genome position (GRCh38, 1-based): chr1:62,647,769, G>A on the plus strand (C>T on the coding strand, the complement: DOCK7 is on the minus strand). VCF-style: chr1-62647769-G-A. GRCh37 (hg19) VCF-style: chr1-63113440-G-A.
Other names: c.740C>T, p.Pro247Leu (NM_001271999.2, NM_001272000.2, NM_001272001.2 and 3 more transcripts); short protein forms P247L.
Identifiers: ClinVar variation 652404 (VCV000652404.6), dbSNP rs752393412, ClinGen allele CA887124.

ClinVar aggregate classification (germline): Uncertain significance (1 of 4 stars; one submission).

Conditions:
Developmental and epileptic encephalopathy, 23 (DEE23). Also called: Epileptic encephalopathy, early infantile, 23. Identifiers: Orphanet 411986, MedGen C4014492, MONDO:0014371, OMIM 615859.

Allele frequency attached by ClinVar (database versions not stated): gnomAD exomes below 0.00001; ExAC 0.00001.
gnomAD v4.1: 5 of 1,600,498 alleles (0.00031%); highest among the groups gnomAD compares: Middle Eastern, 0.033%; no homozygotes.

Submission:

Labcorp Genetics (formerly Invitae), Labcorp
Classification: Uncertain significance for Developmental and epileptic encephalopathy, 23. Last evaluated: 2021-08-28. Review status: criteria provided, single submitter. Criteria: Invitae Variant Classification Sherloc (09022015). Collection method: clinical testing. Allele origin: germline.
Comment: This sequence change replaces proline with leucine at codon 247 of the DOCK7 protein (p.Pro247Leu). The proline residue is moderately conserved and there is a moderate physicochemical difference between proline and leucine. This variant is present in population databases (rs752393412, ExAC 0.01%). This variant has not been reported in the literature in individuals affected with DOCK7-related conditions. Algorithms developed to predict the effect of missense changes on protein structure and function (SIFT, PolyPhen-2, Align-GVGD) all suggest that this variant is likely to be tolerated. In summary, the available evidence is currently insufficient to determine the role of this variant in disease. Therefore, it has been classified as a Variant of Uncertain Significance.